The following is an entry in ClinVar:

ClinVar aggregate classification (germline): Benign/Likely benign. Review status: criteria provided, multiple submitters, no conflicts (2 of 4 stars). 5 submissions from 5 submitters: Benign (1); Likely benign (4). Last evaluated 2026-09-01.

Allele frequency attached by ClinVar (database versions not stated): 1000 Genomes Project 30x 0.00047; 1000 Genomes Project 0.00060; TOPMed 0.00148; ExAC 0.00152; gnomAD 0.00154 and 0.00163; gnomAD exomes 0.00156 and 0.00278; ESP Exome Variant Server 0.00208.

Submissions (5):

CeGaT Center for Human Genetics Tuebingen
Classification: Likely benign. Last evaluated: 2026-09-01. Review status: criteria provided, single submitter. Criteria: CeGaT Center For Human Genetics Tuebingen Variant Classification Criteria Version 2. Collection method: clinical testing. Allele origin: germline. Affected: yes. Observed: 4 variant alleles.
Comment: P2RX2: BS1

Labcorp Genetics (formerly Invitae), Labcorp
Classification: Likely benign. Last evaluated: 2025-10-03. Review status: criteria provided, single submitter. Criteria: Invitae Variant Classification Sherloc (09022015). Collection method: clinical testing. Allele origin: germline.

Blueprint Genetics
Classification: Likely benign. Last evaluated: 2024-11-10. Review status: criteria provided, single submitter. Criteria: ACMG Guidelines, 2015. Collection method: clinical testing. Allele origin: germline.

GeneDx
Classification: Benign. Last evaluated: 2018-09-11. Review status: criteria provided, single submitter. Criteria: GeneDx Variant Classification Process June 2021. Collection method: clinical testing. Allele origin: germline. Affected: yes.

Laboratory for Molecular Medicine, Mass General Brigham Personalized Medicine
Classification: Likely benign. Last evaluated: 2017-01-24. Review status: criteria provided, single submitter. Criteria: LMM Criteria. Collection method: clinical testing. Allele origin: germline. Observed: 7 variant alleles.
Comment: p.Glu71Lys in exon 2 of P2RX2: This variant is not expected to have clinical sig nificance because it has been identified in 0.3% (334/125162) of European chromo somes by the Genome Aggregation Database (gnomAD, rg; dbSNP rs143664462).

NM_170682.4(P2RX2):c.211G>A (p.Glu71Lys)

Gene: P2RX2 (purinergic receptor P2X 2; plus strand). Cytogenetic location: 12q24.33.
Variant type: single nucleotide variant.
Coding change: c.211G>A on transcript NM_170682.4 (MANE Select); coding-DNA position 211, G replaced by A.
Protein change: p.Glu71Lys; replaces glutamic acid 71 with lysine.
Molecular consequence: missense variant. On other transcripts: intron variant (1).
Genome position (GRCh38, 1-based): chr12:132,619,476, G>A. VCF-style: chr12-132619476-G-A. GRCh37 (hg19) VCF-style: chr12-133196062-G-A.
Other names: c.211G>A, p.Glu71Lys (NM_001282164.2, NM_001282165.2, NM_016318.4 and 2 more transcripts); c.143G>A, p.Arg48Gln (NM_012226.5); c.106-368G>A (NM_174872.3); short protein forms E71K, R48Q.
Identifiers: ClinVar variation 229124 (VCV000229124.43), dbSNP rs143664462, ClinGen allele CA6891394.